The following is an entry in ClinVar:

NM_022336.4(EDAR):c.1124G>A (p.Arg375His)

Genes: EDAR (ectodysplasin A receptor; minus strand), RANBP2 (RAN binding protein 2; plus strand). Cytogenetic location: 2q13.
Variant type: single nucleotide variant.
Coding change: c.1124G>A on transcript NM_022336.4 (MANE Select); coding-DNA position 1124, G replaced by A.
Protein change: p.Arg375His; replaces arginine 375 with histidine.
Molecular consequence: missense variant.
Genome position (GRCh38, 1-based): chr2:108,897,130, C>T on the plus strand (G>A on the coding strand, the complement: EDAR is on the minus strand). VCF-style: chr2-108897130-C-T. GRCh37 (hg19) VCF-style: chr2-109513586-C-T.
Other names: c.1124G>A (NM_022336.3); short protein forms R375H.
Identifiers: ClinVar variation 5855 (VCV000005855.2), dbSNP rs121908454, ClinGen allele CA253631.

ClinVar aggregate classification (germline): Likely pathogenic. Review status: criteria provided, single submitter (1 of 4 stars). 2 submissions from 2 submitters: Likely pathogenic (1). 1 of the submissions does not count toward it. Last evaluated 2024-09-25.

Conditions:
Ectodermal dysplasia 10B, hypohidrotic/hair/tooth type, autosomal recessive. Also called: Ectodermal Dysplasia, Hypohidrotic, Autosomal Recessive; Ectodermal dysplasia 10B, hypohidrotic/hair/tooth type, autosomal. Identifiers: Orphanet 238468, Orphanet 248, MedGen C3887494, MONDO:0009147, OMIM 224900.

Allele frequency attached by ClinVar (database versions not stated): TOPMed below 0.00001; gnomAD 0.00001; gnomAD exomes 0.00001; ExAC 0.00002.
gnomAD v4.1: 4 of 1,613,862 alleles (0.00025%); highest among the groups gnomAD compares: Non-Finnish European, 0.00034%; no homozygotes.

Submissions (2):

GeneDx
Classification: Likely pathogenic. Last evaluated: 2024-09-25. Review status: criteria provided, single submitter. Criteria: GeneDx Variant Classification Process June 2021. Collection method: clinical testing. Allele origin: germline. Affected: yes.
Comment: Published functional studies suggest a potentially damaging effect on NF-kB activation and signalling (PMID: 18493316, 15373768); Missense variants in this gene are a common cause of disease and they are underrepresented in the general population; In silico analysis indicates that this missense variant does not alter protein structure/function; This variant is associated with the following publications: (PMID: 11035039, 20301291, 31245878, 18493316, 15373768)

OMIM
Classification: Pathogenic for ECTODERMAL DYSPLASIA 10B, HYPOHIDROTIC/HAIR/TOOTH TYPE, AUTOSOMAL RECESSIVE. Last evaluated: 2004-10-01. Review status: no assertion criteria provided. Collection method: literature only. Allele origin: germline. Not counted in ClinVar's aggregate classification.

Literature cited by the submitters: PubMed 15373768 (cited by OMIM).